The following is an entry in ClinVar:

NM_004360.5(CDH1):c.1566-38T>G

Gene: CDH1 (cadherin 1; plus strand). Cytogenetic location: 16q22.1.
Variant type: single nucleotide variant.
Coding change: c.1566-38T>G on transcript NM_004360.5 (MANE Select); 38 bases into the intron before coding-DNA position 1566, T replaced by G.
Molecular consequence: intron variant.
Genome position (GRCh38, 1-based): chr16:68,819,242, T>G. VCF-style: chr16-68819242-T-G. GRCh37 (hg19) VCF-style: chr16-68853145-T-G.
Other names: c.18-38T>G (NM_001317185.2); c.-254-2759T>G (NM_001317186.2); c.1383-38T>G (NM_001317184.2).
Identifiers: ClinVar variation 2502964 (VCV002502964.1), dbSNP rs34212204, ClinGen allele CA283310229.
Genomic context (GRCh38, chr16:68,819,242, plus strand): 5'-TTGGAAGTAACCATATAACTGAAGAAGCGCTTAAGCCGTTTTCAGCTACATGTTGTTTGC[T>G]GGTCCTATTCTAAAAGCCAGAGCTTGTCCCCGTTCAGATATCGGATTTGGAGAGACACTG-3'

ClinVar aggregate classification (germline): Uncertain significance (1 of 4 stars; one submission).

Conditions:
Hereditary diffuse gastric adenocarcinoma (HDGC). Also called: DIFFUSE GASTRIC AND LOBULAR BREAST CANCER SYNDROME. Identifiers: Orphanet 26106, MedGen C1708349, MONDO:0007648, OMIM 137215.

Allele frequency attached by ClinVar (database versions not stated): gnomAD 0.00001; TOPMed 0.00005.
gnomAD v4.1: 32 of 1,613,394 alleles (0.002%); highest among the groups gnomAD compares: Admixed American, 0.015%; no homozygotes.

Submission:

European Reference Network on Genetic Tumour Risk Syndromes (ERN-GENTURIS), i3s - Instituto de Investigação e Inovação em Saúde, University of Porto
Classification: Uncertain significance for Hereditary diffuse gastric adenocarcinoma. Last evaluated: 2022-08-01. Review status: criteria provided, single submitter. Criteria: Lee et al. (Hum Mutat. 2018). Collection method: clinical testing. Allele origin: germline. Inheritance: Autosomal dominant inheritance. Affected: no. Study: ERN GENTURIS.
Comment: Not applicable criteria (PMID: 30311375)

Literature cited by the submitters: PubMed 36436516.